The following is an entry in ClinVar:

NM_015272.5(RPGRIP1L):c.2218G>A (p.Asp740Asn)

Gene: RPGRIP1L (RPGRIP1 like; minus strand). Cytogenetic location: 16q12.2.
Variant type: single nucleotide variant.
Coding change: c.2218G>A on transcript NM_015272.5 (MANE Select); coding-DNA position 2218, G replaced by A.
Protein change: p.Asp740Asn; replaces aspartic acid 740 with asparagine.
Molecular consequence: missense variant.
Genome position (GRCh38, 1-based): chr16:53,649,050, C>T on the plus strand (G>A on the coding strand, the complement: RPGRIP1L is on the minus strand). VCF-style: chr16-53649050-C-T. GRCh37 (hg19) VCF-style: chr16-53682962-C-T.
Other names: c.2218G>A, p.Asp740Asn (NM_001127897.4, NM_001308334.3, NM_001330538.2); short protein forms D740N.
Identifiers: ClinVar variation 1305918 (VCV001305918.2), dbSNP rs755481580, ClinGen allele CA395915671.

ClinVar aggregate classification (germline): Uncertain significance (1 of 4 stars; one submission).

gnomAD v4.1: 2 of 1,613,956 alleles (0.00012%); highest among the groups gnomAD compares: Non-Finnish European, 0.00017%; no homozygotes.

Submission:

GeneDx
Classification: Uncertain significance. Last evaluated: 2019-05-20. Review status: criteria provided, single submitter. Criteria: GeneDx Variant Classification Process June 2021. Collection method: clinical testing. Allele origin: germline. Affected: yes.
Comment: Not observed in large population cohorts (Lek et al., 2016); In silico analysis, which includes protein predictors and evolutionary conservation, supports that this variant does not alter protein structure/function; Has not been previously published as pathogenic or benign to our knowledge